The following is an entry in ClinVar:

NM_003579.4(RAD54L):c.1435G>A (p.Asp479Asn)

Gene: RAD54L (RAD54 like; plus strand). Cytogenetic location: 1p34.1.
Variant type: single nucleotide variant.
Coding change: c.1435G>A on transcript NM_003579.4 (MANE Select); coding-DNA position 1435, G replaced by A.
Protein change: p.Asp479Asn; replaces aspartic acid 479 with asparagine.
Molecular consequence: missense variant.
Genome position (GRCh38, 1-based): chr1:46,273,414, G>A. VCF-style: chr1-46273414-G-A. GRCh37 (hg19) VCF-style: chr1-46739086-G-A.
Other names: c.1435G>A, p.Asp479Asn (NM_001142548.2); c.895G>A, p.Asp299Asn (NM_001370766.1); short protein forms D299N, D479N.
Identifiers: ClinVar variation 3312479 (VCV003312479.1).

ClinVar aggregate classification (germline): Uncertain significance (1 of 4 stars; one submission).

Submission:

Ambry Genetics
Classification: Uncertain significance. Last evaluated: 2024-05-24. Review status: criteria provided, single submitter. Criteria: Ambry Variant Classification Scheme 2023. Collection method: clinical testing. Allele origin: germline.
Comment: The p.D479N variant (also known as c.1435G>A), located in coding exon 13 of the RAD54L gene, results from a G to A substitution at nucleotide position 1435. The aspartic acid at codon 479 is replaced by asparagine, an amino acid with highly similar properties. This amino acid position is conserved. In addition, this alteration is predicted to be tolerated by in silico analysis. Based on the available evidence, the clinical significance of this variant remains unclear.